The following is an entry in ClinVar:

NM_001127198.5(TMC6):c.74A>G (p.Tyr25Cys)

Gene: TMC6 (transmembrane channel like 6; minus strand). Cytogenetic location: 17q25.3.
Variant type: single nucleotide variant.
Coding change: c.74A>G on transcript NM_001127198.5 (MANE Select); coding-DNA position 74, A replaced by G.
Protein change: p.Tyr25Cys; replaces tyrosine 25 with cysteine.
Molecular consequence: missense variant. On other transcripts: non-coding transcript variant (4).
Genome position (GRCh38, 1-based): chr17:78,126,631, T>C on the plus strand (A>G on the coding strand, the complement: TMC6 is on the minus strand). VCF-style: chr17-78126631-T-C. GRCh37 (hg19) VCF-style: chr17-76122712-T-C.
Other names: c.74A>G, p.Tyr25Cys (NM_001321185.1, NM_001374593.1, NM_001374594.1 and 4 more transcripts); c.74A>G (NM_007267.6); short protein forms Y25C.
Identifiers: ClinVar variation 1382595 (VCV001382595.7), dbSNP rs375590298, ClinGen allele CA8796259.
Genomic context (GRCh38, chr17:78,126,631, plus strand): 5'-GTGCACTGGCTCTGCTCCTGGATGAGCTGCTGGAAGGAGTCGTGCACTTCGCTTTCATCA[T>C]AGGGGCTGGGGCCCTGGCTGCAGAGGGGGTTGGCGGGGGGGTCAGGCTCCAGCCACCTCT-3'
Protein context (NP_001120670.1, residues 15-35): PGDQGQGPSP[Tyr25Cys]DESEVHDSFQ

ClinVar aggregate classification (germline): Uncertain significance. Review status: criteria provided, multiple submitters, no conflicts (2 of 4 stars). 2 submissions from 2 submitters: Uncertain significance (2). Last evaluated 2025-02-11.

Conditions:
Epidermodysplasia verruciformis. Identifiers: Orphanet 302, MedGen C0014522, MONDO:0009176.
Inborn genetic diseases. Identifiers: MedGen C0950123, MeSH D030342.

Allele frequency attached by ClinVar (database versions not stated): gnomAD exomes below 0.00001; ExAC 0.00001; gnomAD 0.00001; TOPMed 0.00002; ESP Exome Variant Server 0.00008; 1000 Genomes Project 30x 0.00016.
gnomAD v4.1: 4 of 1,613,440 alleles (0.00025%); highest among the groups gnomAD compares: African/African-American, 0.0013%; no homozygotes.

Submissions (2):

Ambry Genetics
Classification: Uncertain significance for Inborn genetic diseases. Last evaluated: 2025-02-11. Review status: criteria provided, single submitter. Criteria: Ambry Variant Classification Scheme 2023. Collection method: clinical testing. Allele origin: germline.

Labcorp Genetics (formerly Invitae), Labcorp
Classification: Uncertain significance for Epidermodysplasia verruciformis. Last evaluated: 2021-02-03. Review status: criteria provided, single submitter. Criteria: Invitae Variant Classification Sherloc (09022015). Collection method: clinical testing. Allele origin: germline.
Comment: Algorithms developed to predict the effect of missense changes on protein structure and function output the following: SIFT: "Not Available"; PolyPhen-2: "Benign"; Align-GVGD: "Not Available". The cysteine amino acid residue is found in multiple mammalian species, suggesting that this missense change does not adversely affect protein function. These predictions have not been confirmed by published functional studies and their clinical significance is uncertain. This variant has not been reported in the literature in individuals with TMC6-related conditions. This variant is present in population databases (rs375590298, ExAC 0.002%). This sequence change replaces tyrosine with cysteine at codon 25 of the TMC6 protein (p.Tyr25Cys). The tyrosine residue is weakly conserved and there is a large physicochemical difference between tyrosine and cysteine. In summary, the available evidence is currently insufficient to determine the role of this variant in disease. Therefore, it has been classified as a Variant of Uncertain Significance.